The following is an entry in ClinVar:

NM_024642.5(GALNT12):c.567T>G (p.Asn189Lys)

Gene: GALNT12 (polypeptide N-acetylgalactosaminyltransferase 12; plus strand). Cytogenetic location: 9q22.33.
Variant type: single nucleotide variant.
Coding change: c.567T>G on transcript NM_024642.5 (MANE Select); coding-DNA position 567, T replaced by G.
Protein change: p.Asn189Lys; replaces asparagine 189 with lysine.
Molecular consequence: missense variant.
Genome position (GRCh38, 1-based): chr9:98,826,777, T>G. VCF-style: chr9-98826777-T-G. GRCh37 (hg19) VCF-style: chr9-101589059-T-G.
Other names: short protein forms N189K.
Identifiers: ClinVar variation 1749027 (VCV001749027.2), dbSNP rs150417178, ClinGen allele CA374217326.

ClinVar aggregate classification (germline): Uncertain significance (1 of 4 stars; one submission).

gnomAD v4.1: 2 of 1,611,448 alleles (0.00012%); highest among the groups gnomAD compares: South Asian, 0.0011%; no homozygotes.

Submission:

Ambry Genetics
Classification: Uncertain significance. Last evaluated: 2022-04-24. Review status: criteria provided, single submitter. Criteria: Ambry Variant Classification Scheme 2023. Collection method: clinical testing. Allele origin: germline.
Comment: The p.N189K variant (also known as c.567T>G), located in coding exon 3 of the GALNT12 gene, results from a T to G substitution at nucleotide position 567. The asparagine at codon 189 is replaced by lysine, an amino acid with similar properties. This amino acid position is conserved. In addition, this alteration is predicted to be tolerated by in silico analysis. Since supporting evidence is limited at this time, the clinical significance of this alteration remains unclear.